The following is an entry in ClinVar:

NM_175875.5(SIX5):c.803+7G>A

Genes: DM1-AS (DM1 locus antisense RNA; plus strand), SIX5 (SIX homeobox 5; minus strand), LOC107075317 (origin of replication in DMPK trinucleotide repeat region; plus strand). Cytogenetic location: 19q13.32.
Variant type: single nucleotide variant.
Coding change: c.803+7G>A on transcript NM_175875.5 (MANE Select); 7 bases into the intron after coding-DNA position 803, G replaced by A.
Molecular consequence: intron variant. On other transcripts: non-coding transcript variant (1).
Genome position (GRCh38, 1-based): chr19:45,768,035, C>T on the plus strand (G>A on the coding strand, the complement: SIX5 is on the minus strand). VCF-style: chr19-45768035-C-T. GRCh37 (hg19) VCF-style: chr19-46271293-C-T.
Identifiers: ClinVar variation 4982693 (VCV004982693.1).
Genomic context (GRCh38, chr19:45,768,035, plus strand): 5'-GGGGAAGAGGGCTGGTGGACGGGATGTCCCCGGGAGAGCTGGACTTGCGCCGCCCGAGGC[C>T]CCTCACCTCTTGCAGGGCGCGCCGCCTCCGGCCCCGGTCCGGTCGCGCTGTCGCCGGTTC-3'

ClinVar aggregate classification (germline): Likely benign (1 of 4 stars; one submission).

Conditions:
SIX5-related disorder. Also called: SIX5-related condition.

Submission:

PreventionGenetics, part of Exact Sciences
Classification: Likely benign for SIX5-related condition. Last evaluated: 2026-07-01. Review status: criteria provided, single submitter. Criteria: ACMG Guidelines, 2015. Collection method: clinical testing. Allele origin: germline.
Comment: This variant is classified as likely benign based on ACMG/AMP sequence variant interpretation guidelines (Richards et al. 2015 PMID: 25741868, with internal and published modifications).